The following is an entry in ClinVar:

NM_031935.3(HMCN1):c.8789T>C (p.Ile2930Thr)

Gene: HMCN1 (hemicentin 1; plus strand). Cytogenetic location: 1q31.1.
Variant type: single nucleotide variant.
Coding change: c.8789T>C on transcript NM_031935.3 (MANE Select); coding-DNA position 8789, T replaced by C.
Protein change: p.Ile2930Thr; replaces isoleucine 2930 with threonine.
Molecular consequence: missense variant.
Genome position (GRCh38, 1-based): chr1:186,082,866, T>C. VCF-style: chr1-186082866-T-C. GRCh37 (hg19) VCF-style: chr1-186051998-T-C.
Other names: short protein forms I2930T.
Identifiers: ClinVar variation 294200 (VCV000294200.16), dbSNP rs114135070, ClinGen allele CA1293223.

ClinVar aggregate classification (germline): Benign. Review status: criteria provided, multiple submitters, no conflicts (2 of 4 stars). 4 submissions from 4 submitters: Benign (4). Last evaluated 2026-01-13.

Conditions:
Age related macular degeneration 1 (ARMD1). Also called: MACULOPATHY, AGE-RELATED, 1. Identifiers: MedGen C1864205, MONDO:0011285, OMIM 603075.

Allele frequency attached by ClinVar (database versions not stated): gnomAD exomes 0.00104; ExAC 0.00148; gnomAD 0.00449 and 0.00480; TOPMed 0.00560; ESP Exome Variant Server 0.00561; 1000 Genomes Project 0.00659; 1000 Genomes Project 30x 0.00687.
gnomAD v4.1: 1,276 of 1,567,636 alleles (0.081%); highest among the groups gnomAD compares: African/African-American, 1.6%; 11 homozygotes.

Submissions (4):

Labcorp Genetics (formerly Invitae), Labcorp
Classification: Benign. Last evaluated: 2026-01-13. Review status: criteria provided, single submitter. Criteria: Invitae Variant Classification Sherloc (09022015). Collection method: clinical testing. Allele origin: germline.

Genome-Nilou Lab
Classification: Benign for Age related macular degeneration 1. Last evaluated: 2023-04-11. Review status: criteria provided, single submitter. Criteria: ACMG Guidelines, 2015. Collection method: clinical testing. Allele origin: germline. Affected: no.

Illumina Laboratory Services, Illumina
Classification: Benign for Age related macular degeneration 1. Last evaluated: 2018-01-12. Review status: criteria provided, single submitter. Criteria: ICSL Variant Classification Criteria 13 December 2019. Collection method: clinical testing. Allele origin: germline.
Comment: This variant was observed in the ICSL laboratory as part of a predisposition screen in an ostensibly healthy population. It had not been previously curated by ICSL or reported in the Human Gene Mutation Database (HGMD: prior to June 1st, 2018), and was therefore a candidate for classification through an automated scoring system. Utilizing variant allele frequency, disease prevalence and penetrance estimates, and inheritance mode, an automated score was calculated to assess if this variant is too frequent to cause the disease. Based on the score and internal cut-off values, a variant classified as benign is not then subjected to further curation. The score for this variant resulted in a classification of benign for this disease.

Breakthrough Genomics
Classification: Benign. Review status: criteria provided, single submitter. Criteria: ACMG Guidelines, 2015. Collection method: not provided. Allele origin: germline. Inheritance: Autosomal dominant inheritance. Affected: yes.